The following is an entry in ClinVar:

NM_017950.4(CCDC40):c.2260C>T (p.Leu754Phe)

Gene: CCDC40 (coiled-coil domain 40 molecular ruler complex subunit; plus strand). Cytogenetic location: 17q25.3.
Variant type: single nucleotide variant.
Coding change: c.2260C>T on transcript NM_017950.4 (MANE Select); coding-DNA position 2260, C replaced by T.
Protein change: p.Leu754Phe; replaces leucine 754 with phenylalanine.
Molecular consequence: missense variant.
Genome position (GRCh38, 1-based): chr17:80,086,027, C>T. VCF-style: chr17-80086027-C-T. GRCh37 (hg19) VCF-style: chr17-78059826-C-T.
Other names: c.2260C>T, p.Leu754Phe (NM_001243342.2); short protein forms L754F.
Identifiers: ClinVar variation 2016100 (VCV002016100.4), dbSNP rs760873352, ClinGen allele CA8814158.

ClinVar aggregate classification (germline): Uncertain significance (1 of 4 stars; one submission).

Conditions:
Primary ciliary dyskinesia. Also called: Ciliary dyskinesia. Identifiers: Orphanet 244, MedGen C0008780, MONDO:0016575, HP:0012265.

Allele frequency attached by ClinVar (database versions not stated): gnomAD exomes below 0.00001; ExAC 0.00001.
gnomAD v4.1: 2 of 1,613,988 alleles (0.00012%); highest among the groups gnomAD compares: South Asian, 0.0011%; no homozygotes.

Submission:

Labcorp Genetics (formerly Invitae), Labcorp
Classification: Uncertain significance for Primary ciliary dyskinesia. Last evaluated: 2022-07-11. Review status: criteria provided, single submitter. Criteria: Invitae Variant Classification Sherloc (09022015). Collection method: clinical testing. Allele origin: germline.
Comment: In summary, the available evidence is currently insufficient to determine the role of this variant in disease. Therefore, it has been classified as a Variant of Uncertain Significance. Algorithms developed to predict the effect of missense changes on protein structure and function are either unavailable or do not agree on the potential impact of this missense change (SIFT: "Deleterious"; PolyPhen-2: "Possibly Damaging"; Align-GVGD: "Class C0"). This variant has not been reported in the literature in individuals affected with CCDC40-related conditions. This variant is present in population databases (rs760873352, gnomAD 0.003%). This sequence change replaces leucine, which is neutral and non-polar, with phenylalanine, which is neutral and non-polar, at codon 754 of the CCDC40 protein (p.Leu754Phe).